The following is an entry in ClinVar:

ClinVar aggregate classification (germline): Uncertain significance. Review status: criteria provided, multiple submitters, no conflicts (2 of 4 stars). 2 submissions from 2 submitters: Uncertain significance (2). Last evaluated 2026-06-16.

Conditions:
Inborn genetic diseases. Identifiers: MedGen C0950123, MeSH D030342.
GNAS-related disorder. Identifiers: MedGen CN380105.

gnomAD v4.1: 20 of 1,539,102 alleles (0.0013%); highest among the groups gnomAD compares: East Asian, 0.0024%; no homozygotes.

Submissions (2):

PreventionGenetics, part of Exact Sciences
Classification: Uncertain significance for GNAS-related condition. Last evaluated: 2026-06-16. Review status: criteria provided, single submitter. Criteria: ACMG Guidelines, 2015. Collection method: clinical testing. Allele origin: germline.
Comment: The GNAS c.1286G>A variant is predicted to result in the amino acid substitution p.Arg429His. In the primary GNAS transcript (NM_000516.5), this variant falls within a non-coding region (c.-36989G>A). To our knowledge, this variant has not been reported in the literature. This variant is reported in 0.0089% of alleles in individuals of European (Non-Finnish) descent in gnomAD. At this time, the clinical significance of this variant is uncertain due to the absence of conclusive functional and genetic evidence.

Ambry Genetics
Classification: Uncertain significance for Inborn genetic diseases. Last evaluated: 2021-05-16. Review status: criteria provided, single submitter. Criteria: Ambry Variant Classification Scheme 2023. Collection method: clinical testing. Allele origin: germline.
Comment: The c.1473G>A (p.A491A) alteration is located in exon 1 (coding exon 1) of the GNAS gene. This alteration consists of a G to A substitution at nucleotide position 1473. This nucleotide substitution does not change the amino acid at codon 491. However, this change occurs in the last nucleotide of Exon 1 (c.-285_2068) which makes it likely to have some effect on normal mRNA splicing. Based on insufficient or conflicting evidence, the clinical significance of this alteration remains unclear.

NM_080425.4(GNAS):c.1473G>A (p.Ala491=)

Gene: GNAS (GNAS complex locus; plus strand). Cytogenetic location: 20q13.32.
Variant type: single nucleotide variant.
Coding change: c.1473G>A on transcript NM_080425.4 (MANE Plus Clinical); coding-DNA position 1473, G replaced by A.
Protein change: p.Ala491=; no amino-acid change (alanine 491 retained).
Molecular consequence: synonymous variant. On other transcripts: missense variant (2), intron variant (3).
Genome position (GRCh38, 1-based): chr20:58,854,738, G>A. VCF-style: chr20-58854738-G-A. GRCh37 (hg19) VCF-style: chr20-57429793-G-A.
Other names: c.1286G>A, p.Arg429His (NM_001077490.3, NM_001309883.1); c.1473G>A, p.Ala491= (NM_001410913.1); c.*42+13852G>A (NM_016592.5); c.43+13852G>A (NM_001410912.1); c.-39+12863G>A (NM_001309861.2); short protein forms R429H.
Identifiers: ClinVar variation 2381279 (VCV002381279.3), dbSNP rs755184062, ClinGen allele CA9926693.